The following is an entry in ClinVar:

NM_000256.3(MYBPC3):c.2178C>T (p.Arg726=)

Gene: MYBPC3 (myosin binding protein C3; minus strand). Cytogenetic location: 11p11.2.
Variant type: single nucleotide variant.
Coding change: c.2178C>T on transcript NM_000256.3 (MANE Select); coding-DNA position 2178, C replaced by T.
Protein change: p.Arg726=; no amino-acid change (arginine 726 retained).
Molecular consequence: synonymous variant.
Genome position (GRCh38, 1-based): chr11:47,338,650, G>A on the plus strand (C>T on the coding strand, the complement: MYBPC3 is on the minus strand). VCF-style: chr11-47338650-G-A. GRCh37 (hg19) VCF-style: chr11-47360201-G-A.
Identifiers: ClinVar variation 42604 (VCV000042604.20), dbSNP rs370676057, ClinGen allele CA011832.

ClinVar aggregate classification (germline): Likely benign. Review status: criteria provided, multiple submitters, no conflicts (2 of 4 stars). 6 submissions from 6 submitters: Likely benign (6). Last evaluated 2025-12-20.

Conditions:
Cardiovascular phenotype. Identifiers: MedGen CN230736.
Cardiomyopathy (CMYO). Also called: Cardiomyopathies. Identifiers: Orphanet 167848, MedGen C0878544, MONDO:0004994, HP:0001638. Inheritance: Various modes of inheritance.
Hypertrophic cardiomyopathy. Also called: HYPERTROPHIC MYOCARDIOPATHY. Identifiers: Orphanet 217569, MedGen C0007194, MeSH D002312, MONDO:0005045, HP:0001639.

Allele frequency attached by ClinVar (database versions not stated): TOPMed 0.00001; gnomAD exomes 0.00002 and 0.00003; gnomAD 0.00003; ExAC 0.00004; ESP Exome Variant Server 0.00008.
gnomAD v4.1: 45 of 1,613,482 alleles (0.0028%); highest among the groups gnomAD compares: Non-Finnish European, 0.0028%; no homozygotes.

Submissions (6):

Labcorp Genetics (formerly Invitae), Labcorp
Classification: Likely benign for Hypertrophic cardiomyopathy. Last evaluated: 2025-12-20. Review status: criteria provided, single submitter. Criteria: Invitae Variant Classification Sherloc (09022015). Collection method: clinical testing. Allele origin: germline.

All of Us Research Program, National Institutes of Health
Classification: Likely benign for Hypertrophic cardiomyopathy. Last evaluated: 2023-12-13. Review status: criteria provided, single submitter. Criteria: ACMG Guidelines, 2015. Collection method: clinical testing. Allele origin: germline. Inheritance: Autosomal dominant inheritance. Observed: 8 variant alleles, 8 heterozygotes.
Comment: This study involves interpretation of variants in research participants for the purpose of population health screening. Participant phenotype was not available at the time of variant classification. Additional details can be found in publication PMID: 35346344, PMCID: PMC8962531

Blueprint Genetics
Classification: Likely benign. Last evaluated: 2022-12-16. Review status: criteria provided, single submitter. Criteria: ACMG Guidelines, 2015. Collection method: clinical testing. Allele origin: germline.

Ambry Genetics
Classification: Likely benign for Cardiovascular phenotype. Last evaluated: 2022-09-24. Review status: criteria provided, single submitter. Criteria: Ambry Variant Classification Scheme 2023. Collection method: clinical testing. Allele origin: germline.

Color Diagnostics, LLC DBA Color Health
Classification: Likely benign for Cardiomyopathy. Last evaluated: 2018-08-13. Review status: criteria provided, single submitter. Criteria: ACMG Guidelines, 2015. Collection method: clinical testing. Allele origin: germline.

Laboratory for Molecular Medicine, Mass General Brigham Personalized Medicine
Classification: Likely benign. Last evaluated: 2010-04-29. Review status: criteria provided, single submitter. Criteria: LMM Criteria. Collection method: clinical testing. Allele origin: germline. Observed: 1 variant allele.